The following is an entry in ClinVar:

NM_000081.4(LYST):c.10234C>T (p.Arg3412Cys)

Gene: LYST (lysosomal trafficking regulator; minus strand). Cytogenetic location: 1q42.3.
Variant type: single nucleotide variant.
Coding change: c.10234C>T on transcript NM_000081.4 (MANE Select); coding-DNA position 10234, C replaced by T.
Protein change: p.Arg3412Cys; replaces arginine 3412 with cysteine.
Molecular consequence: missense variant.
Genome position (GRCh38, 1-based): chr1:235,702,887, G>A on the plus strand (C>T on the coding strand, the complement: LYST is on the minus strand). VCF-style: chr1-235702887-G-A. GRCh37 (hg19) VCF-style: chr1-235866187-G-A.
Other names: c.10234C>T, p.Arg3412Cys (NM_001301365.1); short protein forms R3412C.
Identifiers: ClinVar variation 1360379 (VCV001360379.5), dbSNP rs777823080, ClinGen allele CA1465414.
Genomic context (GRCh38, chr1:235,702,887, plus strand): 5'-CTCCTTCAATATTGAGCTTGGCTCCAGGTCTGCTCACATGGGCCATGTGGAACAGCTGAC[G>A]GGGAGTCTGCCCGTAGGTTTTTATCATGGTTTCTAGCGCTCGTCTCTGAACTGGATCTTC-3'
Protein context (NP_000072.2, residues 3402-3422): TMIKTYGQTP[Arg3412Cys]QLFHMAHVSR

ClinVar aggregate classification (germline): Uncertain significance (1 of 4 stars; one submission).

Conditions:
Chédiak-Higashi syndrome (CHS). Also called: Chediak-Higashi Syndrome. Identifiers: Orphanet 167, MedGen C0007965, MONDO:0008963, OMIM 214500.

Allele frequency attached by ClinVar (database versions not stated): gnomAD 0.00001; TOPMed 0.00002; ExAC 0.00004.
gnomAD v4.1: 9 of 1,614,018 alleles (0.00056%); highest among the groups gnomAD compares: East Asian, 0.0067%; no homozygotes.

Submission:

Labcorp Genetics (formerly Invitae), Labcorp
Classification: Uncertain significance for Chédiak-Higashi syndrome. Last evaluated: 2021-09-02. Review status: criteria provided, single submitter. Criteria: Invitae Variant Classification Sherloc (09022015). Collection method: clinical testing. Allele origin: germline.
Comment: This sequence change replaces arginine with cysteine at codon 3412 of the LYST protein (p.Arg3412Cys). The arginine residue is moderately conserved and there is a large physicochemical difference between arginine and cysteine. This variant is present in population databases (rs777823080, ExAC 0.02%). This variant has not been reported in the literature in individuals affected with LYST-related conditions. Algorithms developed to predict the effect of missense changes on protein structure and function are either unavailable or do not agree on the potential impact of this missense change (SIFT: "Deleterious"; PolyPhen-2: "Probably Damaging"; Align-GVGD: "Class C0"). In summary, the available evidence is currently insufficient to determine the role of this variant in disease. Therefore, it has been classified as a Variant of Uncertain Significance.